The following is an entry in ClinVar:

NM_005529.7(HSPG2):c.4877G>A (p.Arg1626His)

Gene: HSPG2 (heparan sulfate proteoglycan 2; minus strand). Cytogenetic location: 1p36.12.
Variant type: single nucleotide variant.
Coding change: c.4877G>A on transcript NM_005529.7 (MANE Select); coding-DNA position 4877, G replaced by A.
Protein change: p.Arg1626His; replaces arginine 1626 with histidine.
Molecular consequence: missense variant.
Genome position (GRCh38, 1-based): chr1:21,861,835, C>T on the plus strand (G>A on the coding strand, the complement: HSPG2 is on the minus strand). VCF-style: chr1-21861835-C-T. GRCh37 (hg19) VCF-style: chr1-22188328-C-T.
Other names: c.4880G>A, p.Arg1627His (NM_001291860.2); short protein forms R1626H, R1627H.
Identifiers: ClinVar variation 284530 (VCV000284530.67), dbSNP rs41311989, ClinGen allele CA672132.

ClinVar aggregate classification (germline): Benign/Likely benign. Review status: criteria provided, multiple submitters, no conflicts (2 of 4 stars). 11 submissions from 10 submitters: Benign (4); Likely benign (6). 1 of the submissions does not count toward it. Last evaluated 2026-03-01.

Conditions:
HSPG2-related disorder. Also called: HSPG2-related condition; HSPG2-related disorders.
Schwartz-Jampel syndrome. Also called: Myotonic myopathy dwarfism chondrodystrophy and ocular and facial abnormalities. Identifiers: Orphanet 800, MedGen C0036391, MONDO:0009717.
Lethal Kniest-like syndrome (DDSH). Also called: Dyssegmental Dysplasia. Identifiers: Orphanet 1865, MedGen C1857100, MONDO:0009140, OMIM 224410.

Allele frequency attached by ClinVar (database versions not stated): ExAC 0.00139; gnomAD exomes 0.00146; 1000 Genomes Project 30x 0.00281; gnomAD 0.00283 and 0.00293; 1000 Genomes Project 0.00319; TOPMed 0.00319; ESP Exome Variant Server 0.00377.
gnomAD v4.1: 1,514 of 1,613,528 alleles (0.094%); highest among the groups gnomAD compares: African/African-American, 0.8%; 7 homozygotes.

Submissions (11):

CeGaT Center for Human Genetics Tuebingen
Classification: Likely benign. Last evaluated: 2026-03-01. Review status: criteria provided, single submitter. Criteria: CeGaT Center For Human Genetics Tuebingen Variant Classification Criteria Version 2. Collection method: clinical testing. Allele origin: germline. Affected: yes. Observed: 6 variant alleles.
Comment: HSPG2: BP4

Labcorp Genetics (formerly Invitae), Labcorp
Classification: Benign. Last evaluated: 2026-01-26. Review status: criteria provided, single submitter. Criteria: Invitae Variant Classification Sherloc (09022015). Collection method: clinical testing. Allele origin: germline.

ARUP Laboratories, Molecular Genetics and Genomics, ARUP Laboratories
Classification: Benign. Last evaluated: 2024-12-20. Review status: criteria provided, single submitter. Criteria: ARUP Molecular Germline Variant Investigation Process 2024. Collection method: clinical testing. Allele origin: germline.

Blueprint Genetics
Classification: Likely benign. Last evaluated: 2024-11-01. Review status: criteria provided, single submitter. Criteria: ACMG Guidelines, 2015. Collection method: clinical testing. Allele origin: germline.

GeneDx
Classification: Benign. Last evaluated: 2021-01-21. Review status: criteria provided, single submitter. Criteria: GeneDx Variant Classification Process June 2021. Collection method: clinical testing. Allele origin: germline. Affected: yes.
Comment: This variant is associated with the following publications: (PMID: 25504735)

Illumina Laboratory Services, Illumina
Classification: Likely benign for Schwartz-Jampel syndrome type 1. Last evaluated: 2018-01-13. Review status: criteria provided, single submitter. Criteria: ICSL Variant Classification Criteria 13 December 2019. Collection method: clinical testing. Allele origin: germline.
Comment: This variant was observed in the ICSL laboratory as part of a predisposition screen in an ostensibly healthy population. It had not been previously curated by ICSL or reported in the Human Gene Mutation Database (HGMD: prior to June 1st, 2018), and was therefore a candidate for classification through an automated scoring system. Utilizing variant allele frequency, disease prevalence and penetrance estimates, and inheritance mode, an automated score was calculated to assess if this variant is too frequent to cause the disease. Based on the score and internal cut-off values, a variant classified as likely benign is not then subjected to further curation. The score for this variant resulted in a classification of likely benign for this disease.

Illumina Laboratory Services, Illumina
Classification: Likely benign for Lethal Kniest-like syndrome. Last evaluated: 2018-01-13. Review status: criteria provided, single submitter. Criteria: ICSL Variant Classification Criteria 13 December 2019. Collection method: clinical testing. Allele origin: germline.
Comment: the same text as in the submission from Illumina Laboratory Services, Illumina above.

Athena Diagnostics
Classification: Likely benign. Last evaluated: 2016-11-04. Review status: criteria provided, single submitter. Criteria: Athena Diagnostics Criteria. Collection method: clinical testing. Allele origin: germline.

Eurofins Ntd Llc (ga)
Classification: Benign. Last evaluated: 2015-11-17. Review status: criteria provided, single submitter. Criteria: EGL Classification Definitions 2015. Collection method: clinical testing. Allele origin: germline. Observed: 1 variant allele, 1 heterozygote.

Breakthrough Genomics
Classification: Likely benign. Review status: criteria provided, single submitter. Criteria: ACMG Guidelines, 2015. Collection method: not provided. Allele origin: germline. Inheritance: Autosomal recessive inheritance. Affected: yes.

PreventionGenetics, part of Exact Sciences
Classification: Benign for HSPG2-related condition. Last evaluated: 2019-07-01. Review status: no assertion criteria provided. Collection method: clinical testing. Allele origin: germline. Not counted in ClinVar's aggregate classification.
Comment: This variant is classified as benign based on ACMG/AMP sequence variant interpretation guidelines (Richards et al. 2015 PMID: 25741868, with internal and published modifications).

Literature cited by the submitters: PubMed 25504735 (cited by Athena Diagnostics); PubMed 24781210 (cited by Athena Diagnostics).